The following is an entry in ClinVar:

ClinVar aggregate classification (germline): Uncertain significance (1 of 4 stars; one submission).

Conditions:
Muscle AMP deaminase deficiency (MMDD). Also called: Myoadenylate deaminase deficiency, myopathy due to; Adenosine monophosphate deaminase 1 deficiency; AMP deaminase 1 deficiency; Adenosine Monophosphate Deaminase 1; ADENOSINE MONOPHOSPHATE DEAMINASE-1 DEFICIENCY, MYOPATHY DUE TO; AMPD1 DEFICIENCY. Identifiers: Orphanet 45, MedGen C3714933, MONDO:0014220, OMIM 615511.

Allele frequency attached by ClinVar (database versions not stated): TOPMed below 0.00001; gnomAD exomes 0.00001.

Submission:

Labcorp Genetics (formerly Invitae), Labcorp
Classification: Uncertain significance for Muscle AMP deaminase deficiency. Last evaluated: 2021-11-25. Review status: criteria provided, single submitter. Criteria: Invitae Variant Classification Sherloc (09022015). Collection method: clinical testing. Allele origin: germline.
Comment: This sequence change replaces phenylalanine, which is neutral and non-polar, with leucine, which is neutral and non-polar, at codon 535 of the AMPD1 protein (p.Phe535Leu). This variant is not present in population databases (gnomAD no frequency). This variant has not been reported in the literature in individuals affected with AMPD1-related conditions. Algorithms developed to predict the effect of missense changes on protein structure and function are either unavailable or do not agree on the potential impact of this missense change (SIFT: "Deleterious"; PolyPhen-2: "Benign"; Align-GVGD: "Class C15"). In summary, the available evidence is currently insufficient to determine the role of this variant in disease. Therefore, it has been classified as a Variant of Uncertain Significance.

NM_000036.3(AMPD1):c.1504T>C (p.Phe502Leu)

Gene: AMPD1 (adenosine monophosphate deaminase 1; minus strand). Cytogenetic location: 1p13.2.
Variant type: single nucleotide variant.
Coding change: c.1504T>C on transcript NM_000036.3 (MANE Select); coding-DNA position 1504, T replaced by C.
Protein change: p.Phe502Leu; replaces phenylalanine 502 with leucine.
Molecular consequence: missense variant.
Genome position (GRCh38, 1-based): chr1:114,675,888, A>G on the plus strand (T>C on the coding strand, the complement: AMPD1 is on the minus strand). VCF-style: chr1-114675888-A-G. GRCh37 (hg19) VCF-style: chr1-115218509-A-G.
Other names: c.1492T>C, p.Phe498Leu (NM_001172626.2); short protein forms F498L, F502L.
Identifiers: ClinVar variation 1412814 (VCV001412814.3), dbSNP rs966578460, ClinGen allele CA29053423.